The following is an entry in ClinVar:

ClinVar aggregate classification (germline): Uncertain significance (1 of 4 stars; one submission).

Conditions:
Cardiovascular phenotype. Identifiers: MedGen CN230736.

Allele frequency attached by ClinVar (database versions not stated): gnomAD exomes below 0.00001; TOPMed below 0.00001; gnomAD 0.00001.
gnomAD v4.1: 2 of 1,612,896 alleles (0.00012%); highest among the groups gnomAD compares: Non-Finnish European, 0.00017%; no homozygotes.

Submission:

Ambry Genetics
Classification: Uncertain significance for Cardiovascular phenotype. Last evaluated: 2023-01-26. Review status: criteria provided, single submitter. Criteria: Ambry Variant Classification Scheme 2023. Collection method: clinical testing. Allele origin: germline.
Comment: The p.S1629F variant (also known as c.4886C>T), located in coding exon 36 of the RYR2 gene, results from a C to T substitution at nucleotide position 4886. The serine at codon 1629 is replaced by phenylalanine, an amino acid with highly dissimilar properties. This amino acid position is not well conserved in available vertebrate species. In addition, the in silico prediction for this alteration is inconclusive. Since supporting evidence is limited at this time, the clinical significance of this alteration remains unclear.

NM_001035.3(RYR2):c.4886C>T (p.Ser1629Phe)

Gene: RYR2 (ryanodine receptor 2; plus strand). Cytogenetic location: 1q43.
Variant type: single nucleotide variant.
Coding change: c.4886C>T on transcript NM_001035.3 (MANE Select); coding-DNA position 4886, C replaced by T.
Protein change: p.Ser1629Phe; replaces serine 1629 with phenylalanine.
Molecular consequence: missense variant.
Genome position (GRCh38, 1-based): chr1:237,610,964, C>T. VCF-style: chr1-237610964-C-T. GRCh37 (hg19) VCF-style: chr1-237774264-C-T.
Other names: short protein forms S1629F.
Identifiers: ClinVar variation 2454017 (VCV002454017.2), dbSNP rs763623545, ClinGen allele CA345402845.